The following is an entry in ClinVar:

NM_002076.4(GNS):c.1074del (p.Ile359fs)

Gene: GNS (glucosamine (N-acetyl)-6-sulfatase; minus strand). Cytogenetic location: 12q14.3.
Variant type: Deletion.
Coding change: c.1074del on transcript NM_002076.4 (MANE Select); coding-DNA position 1074, one base deleted (G; older notation c.1074delG).
Protein change: p.Ile359fs; shifts the reading frame from isoleucine 359.
Molecular consequence: frameshift variant.
Genome position (GRCh38, 1-based): chr12:64,737,028, C deleted on the plus strand (G on the coding strand, the reverse complement: GNS is on the minus strand); the first of 3 consecutive C bases (chr12:64,737,028-64,737,030); deleting any one gives the same sequence. VCF-style (leftmost placement, unchanged base first): chr12-64737027-TC-T. GRCh37 (hg19) VCF-style: chr12-65130807-TC-T.
Other names: short protein forms I359fs.
Identifiers: ClinVar variation 3645579 (VCV003645579.2).
Genomic context (GRCh38, chr12:64,737,027, plus strand): 5'-CCTACCTGTCCACAGCACCAGCTTGTCAGGCACCTACCTTGCTTGTCTGATTTGGTTTGA[TC>T]CCAGGTCCTCGAACCAACAGTGGAACTTTGATATCAAACTCATACAGCTGTCTCTTGTCT-3'

ClinVar aggregate classification (germline): Pathogenic (1 of 4 stars; one submission).

Conditions:
Mucopolysaccharidosis, MPS-III-D (MPS3D). Also called: N-ACETYLGLUCOSAMINE-6-SULFATASE DEFICIENCY; SANFILIPPO SYNDROME D; MPS III D; Mucopoly-saccharidosis type 3D; N-acetylglucosamine-6-sulfate sulfatase deficiency; MPS 3D. Identifiers: Orphanet 581, Orphanet 79272, MedGen C0086650, MONDO:0009658, OMIM 252940.

Submission:

Labcorp Genetics (formerly Invitae), Labcorp
Classification: Pathogenic for Mucopolysaccharidosis, MPS-III-D. Last evaluated: 2024-03-12. Review status: criteria provided, single submitter. Criteria: Invitae Variant Classification Sherloc (09022015). Collection method: clinical testing. Allele origin: germline.
Comment: This sequence change creates a premature translational stop signal (p.Ile359Serfs*28) in the GNS gene. It is expected to result in an absent or disrupted protein product. Loss-of-function variants in GNS are known to be pathogenic (PMID: 20232353). This variant is not present in population databases (gnomAD no frequency). This variant has not been reported in the literature in individuals affected with GNS-related conditions. For these reasons, this variant has been classified as Pathogenic.

Literature cited by the submitters: PubMed 20232353.